The following is an entry in ClinVar:

ClinVar aggregate classification (germline): Pathogenic (1 of 4 stars; one submission).

Conditions:
Glycogen storage disease type III (GSD3). Also called: Cori disease; FORBES DISEASE. Identifiers: Orphanet 366, MedGen C0017922, MONDO:0009291, OMIM 232400.

Submission:

Labcorp Genetics (formerly Invitae), Labcorp
Classification: Pathogenic for Glycogen storage disease type III. Last evaluated: 2019-09-27. Review status: criteria provided, single submitter. Criteria: Invitae Variant Classification Sherloc (09022015). Collection method: clinical testing. Allele origin: germline.
Comment: Disruption of this splice site has been observed in several individuals with glycogen storage disease type IIIa and has been observed to segregate with disease in a family (PMID: 8702417, 26984562, 29614965). In at least one individual the data is consistent with the variant being in trans (on the opposite chromosome) from a pathogenic variant. For these reasons, this variant has been classified as Pathogenic. Donor and acceptor splice site variants typically lead to a loss of protein function (PMID: 16199547), and loss-of-function variants in AGL are known to be pathogenic (PMID: 19299494). Algorithms developed to predict the effect of sequence changes on RNA splicing suggest that this variant may disrupt the consensus splice site, but this prediction has not been confirmed by published transcriptional studies. This variant is not present in population databases (ExAC no frequency). This sequence change affects a donor splice site in intron 13 of the AGL gene. It is expected to disrupt RNA splicing and likely results in an absent or disrupted protein product.

Literature cited by the submitters: PubMed 8702417; PubMed 26984562; PubMed 29614965; PubMed 16199547; PubMed 19299494.

NM_000642.3(AGL):c.1735+1_1735+15del

Gene: AGL (amylo-alpha-1,6-glucosidase and 4-alpha-glucanotransferase; plus strand). Cytogenetic location: 1p21.2.
Variant type: Deletion.
Coding change: c.1735+1_1735+15del on transcript NM_000642.3 (MANE Select); the canonical splice donor site of the intron after coding-DNA position 1735 through 15 bases into the intron after coding-DNA position 1735, 15 bases deleted (GTAGGCTTGTTGGAG).
Molecular consequence: splice donor variant.
Genome position (GRCh38, 1-based): chr1:99,880,047-99,880,061, GTAGGCTTGTTGGAG deleted; deleting any 15 consecutive bases within chr1:99,880,044-99,880,061 gives the same sequence; the c. name uses the placement nearest the transcript's 3' end. VCF-style (leftmost placement, unchanged base first): chr1-99880043-AGAGGTAGGCTTGTTG-A. GRCh37 (hg19) VCF-style: chr1-100345599-AGAGGTAGGCTTGTTG-A.
Other names: c.1735+1_1735+15del (NM_000644.3, NM_001425326.1, NM_001425325.1 and 2 more transcripts); c.1687+1_1687+15del (NM_000646.3); c.1534+1_1534+15del (NM_001425327.1); c.1531+1_1531+15del (NM_001425328.1, NM_001425329.1); c.1357+1_1357+15del (NM_001425332.1).
Identifiers: ClinVar variation 940795 (VCV000940795.10), dbSNP rs1651883514, ClinGen allele CA1139656247.